The following is an entry in ClinVar:

NM_001151.4(SLC25A4):c.598+16C>T

Gene: SLC25A4 (solute carrier family 25 member 4; plus strand). Cytogenetic location: 4q35.1.
Variant type: single nucleotide variant.
Coding change: c.598+16C>T on transcript NM_001151.4 (MANE Select); 16 bases into the intron after coding-DNA position 598, C replaced by T.
Molecular consequence: intron variant.
Genome position (GRCh38, 1-based): chr4:185,145,266, C>T. VCF-style: chr4-185145266-C-T. GRCh37 (hg19) VCF-style: chr4-186066420-C-T.
Identifiers: ClinVar variation 382377 (VCV000382377.1), dbSNP rs766586776, ClinGen allele CA3156495.

ClinVar aggregate classification (germline): Likely benign (1 of 4 stars; one submission).

Allele frequency attached by ClinVar (database versions not stated): ExAC 0.00001; gnomAD 0.00001; gnomAD exomes below 0.00001.
gnomAD v4.1: 4 of 1,613,518 alleles (0.00025%); highest among the groups gnomAD compares: Non-Finnish European, 0.00034%; no homozygotes.

Submission:

GeneDx
Classification: Likely benign. Last evaluated: 2016-02-09. Review status: criteria provided, single submitter. Criteria: GeneDx Variant Classification (06012015). Collection method: clinical testing. Allele origin: germline. Affected: yes.
Comment: This variant is considered likely benign or benign based on one or more of the following criteria: it is a conservative change, it occurs at a poorly conserved position in the protein, it is predicted to be benign by multiple in silico algorithms, and/or has population frequency not consistent with disease.